The following is an entry in ClinVar:

NM_000687.4(AHCY):c.1210G>A (p.Val404Met)

Gene: AHCY (adenosylhomocysteinase; minus strand). Cytogenetic location: 20q11.22.
Variant type: single nucleotide variant.
Coding change: c.1210G>A on transcript NM_000687.4 (MANE Select); coding-DNA position 1210, G replaced by A.
Protein change: p.Val404Met; replaces valine 404 with methionine.
Molecular consequence: missense variant.
Genome position (GRCh38, 1-based): chr20:34,281,123, C>T on the plus strand (G>A on the coding strand, the complement: AHCY is on the minus strand). VCF-style: chr20-34281123-C-T. GRCh37 (hg19) VCF-style: chr20-32868929-C-T.
Other names: c.1126G>A, p.Val376Met (NM_001161766.2, NM_001322084.2, NM_001322085.2); c.1216G>A, p.Val406Met (NM_001322086.2); c.1210G>A, p.Val404Met (NM_001362750.2); short protein forms V376M, V404M, V406M.
Identifiers: ClinVar variation 2071752 (VCV002071752.3), dbSNP rs147385277, ClinGen allele CA9820742.

ClinVar aggregate classification (germline): Uncertain significance. Review status: criteria provided, multiple submitters, no conflicts (2 of 4 stars). 2 submissions from 2 submitters: Uncertain significance (2). Last evaluated 2026-09-01.

Conditions:
Hypermethioninemia with deficiency of S-adenosylhomocysteine hydrolase. Identifiers: Orphanet 88618, MedGen C3151058, MONDO:0013404, OMIM 613752.

Allele frequency attached by ClinVar (database versions not stated): ExAC 0.00008; gnomAD 0.00008; TOPMed 0.00008; gnomAD exomes 0.00013; ESP Exome Variant Server 0.00023.
gnomAD v4.1: 190 of 1,613,862 alleles (0.012%); highest among the groups gnomAD compares: Non-Finnish European, 0.016%; no homozygotes.

Submissions (2):

CeGaT Center for Human Genetics Tuebingen
Classification: Uncertain significance. Last evaluated: 2026-09-01. Review status: criteria provided, single submitter. Criteria: CeGaT Center For Human Genetics Tuebingen Variant Classification Criteria Version 2. Collection method: clinical testing. Allele origin: germline. Affected: yes. Observed: 1 variant allele.
Comment: AHCY: PM2, PP3

Labcorp Genetics (formerly Invitae), Labcorp
Classification: Uncertain significance for Hypermethioninemia with deficiency of S-adenosylhomocysteine hydrolase. Last evaluated: 2023-10-30. Review status: criteria provided, single submitter. Criteria: Invitae Variant Classification Sherloc (09022015). Collection method: clinical testing. Allele origin: germline.
Comment: This sequence change replaces valine, which is neutral and non-polar, with methionine, which is neutral and non-polar, at codon 404 of the AHCY protein (p.Val404Met). This variant is present in population databases (rs147385277, gnomAD 0.02%). This variant has not been reported in the literature in individuals affected with AHCY-related conditions. ClinVar contains an entry for this variant (Variation ID: 2071752). Advanced modeling of protein sequence and biophysical properties (such as structural, functional, and spatial information, amino acid conservation, physicochemical variation, residue mobility, and thermodynamic stability) performed at Invitae indicates that this missense variant is not expected to disrupt AHCY protein function with a negative predictive value of 80%. In summary, the available evidence is currently insufficient to determine the role of this variant in disease. Therefore, it has been classified as a Variant of Uncertain Significance.